The following is an entry in ClinVar:

NM_000548.5(TSC2):c.146G>A (p.Ser49Asn)

Gene: TSC2 (TSC complex subunit 2; plus strand). Cytogenetic location: 16p13.3.
Variant type: single nucleotide variant.
Coding change: c.146G>A on transcript NM_000548.5 (MANE Select); coding-DNA position 146, G replaced by A.
Protein change: p.Ser49Asn; replaces serine 49 with asparagine.
Molecular consequence: missense variant. On other transcripts: 5 prime UTR variant (25), non-coding transcript variant (5).
Genome position (GRCh38, 1-based): chr16:2,050,407, G>A. VCF-style: chr16-2050407-G-A. GRCh37 (hg19) VCF-style: chr16-2100408-G-A.
Other names: c.146G>A, p.Ser49Asn (NM_001077183.3, NM_001114382.3, NM_001318827.2 and 13 more transcripts); c.-2G>A (NM_001318829.2, NM_001406675.1, NM_001406676.1 and 2 more transcripts); c.-81G>A (NM_001318831.2, NM_001406682.1, NM_001406684.1 and 3 more transcripts); c.-671G>A (NM_001406680.1, NM_001406683.1, NM_001406687.1); c.-300G>A (NM_001406681.1); c.-1286G>A (NM_001406689.1, NM_001406690.1, NM_001406691.1 and 2 more transcripts); c.-1592G>A (NM_001406693.1); c.-1167G>A (NM_001406694.1, NM_001406695.1); and 3 more; short protein forms S60N, S49N.
Identifiers: ClinVar variation 1028340 (VCV001028340.8), dbSNP rs2084956276, ClinGen allele CA394303099.

ClinVar aggregate classification (germline): Uncertain significance. Review status: criteria provided, multiple submitters, no conflicts (2 of 4 stars). 3 submissions from 3 submitters: Uncertain significance (3). Last evaluated 2024-11-07.

Conditions:
Hereditary cancer-predisposing syndrome. Also called: Hereditary neoplastic syndrome; Neoplastic Syndromes, Hereditary; Tumor predisposition; Hereditary Cancer Syndrome. Identifiers: Orphanet 140162, MedGen C0027672, MeSH D009386, MONDO:0015356.
Tuberous sclerosis 2 (TSC2). Identifiers: Orphanet 805, MedGen C1860707, MONDO:0013199, OMIM 613254.

Allele frequency attached by ClinVar (database versions not stated): gnomAD exomes below 0.00001.
gnomAD v4.1: 2 of 1,613,910 alleles (0.00012%); highest among the groups gnomAD compares: Non-Finnish European, 0.000085%; no homozygotes.

Submissions (3):

Ambry Genetics
Classification: Uncertain significance for Hereditary cancer-predisposing syndrome. Last evaluated: 2024-11-07. Review status: criteria provided, single submitter. Criteria: Ambry Variant Classification Scheme 2023. Collection method: clinical testing. Allele origin: germline.
Comment: The p.S49N variant (also known as c.146G>A), located in coding exon 2 of the TSC2 gene, results from a G to A substitution at nucleotide position 146. The serine at codon 49 is replaced by asparagine, an amino acid with highly similar properties. This amino acid position is well conserved in available vertebrate species. In addition, this alteration is predicted to be tolerated by in silico analysis. Based on the available evidence, the clinical significance of this variant remains unclear.

Labcorp Genetics (formerly Invitae), Labcorp
Classification: Uncertain significance for Tuberous sclerosis 2. Last evaluated: 2022-08-08. Review status: criteria provided, single submitter. Criteria: Invitae Variant Classification Sherloc (09022015). Collection method: clinical testing. Allele origin: germline.
Comment: In summary, the available evidence is currently insufficient to determine the role of this variant in disease. Therefore, it has been classified as a Variant of Uncertain Significance. Advanced modeling of protein sequence and biophysical properties (such as structural, functional, and spatial information, amino acid conservation, physicochemical variation, residue mobility, and thermodynamic stability) performed at Invitae indicates that this missense variant is not expected to disrupt TSC2 protein function. ClinVar contains an entry for this variant (Variation ID: 1028340). This variant has not been reported in the literature in individuals affected with TSC2-related conditions. This variant is not present in population databases (gnomAD no frequency). This sequence change replaces serine, which is neutral and polar, with asparagine, which is neutral and polar, at codon 49 of the TSC2 protein (p.Ser49Asn).

Baylor Genetics
Classification: Uncertain significance for Tuberous sclerosis 2. Last evaluated: 2020-02-13. Review status: criteria provided, single submitter. Criteria: ACMG Guidelines, 2015. Collection method: clinical testing. Allele origin: unknown. Affected: yes.
Comment: This variant was determined to be of uncertain significance according to ACMG Guidelines, 2015 [PMID:25741868].